The following is an entry in ClinVar:

ClinVar aggregate classification (germline): Uncertain significance (1 of 4 stars; one submission).

gnomAD v4.1: 3 of 1,606,932 alleles (0.00019%); highest among the groups gnomAD compares: Non-Finnish European, 0.00025%; no homozygotes.

Submission:

Labcorp Genetics (formerly Invitae), Labcorp
Classification: Uncertain significance. Last evaluated: 2025-12-17. Review status: criteria provided, single submitter. Criteria: Invitae Variant Classification Sherloc (09022015). Collection method: clinical testing. Allele origin: germline.
Comment: This sequence change replaces valine, which is neutral and non-polar, with isoleucine, which is neutral and non-polar, at codon 382 of the UBA5 protein (p.Val382Ile). This variant is present in population databases (rs768027912, gnomAD 0.0009%). This variant has not been reported in the literature in individuals affected with UBA5-related conditions. An algorithm developed to predict the effect of missense changes on protein structure and function outputs the following: PolyPhen-2: "Benign". The isoleucine amino acid residue is found in multiple mammalian species, which suggests that this missense change does not adversely affect protein function. In summary, the available evidence is currently insufficient to determine the role of this variant in disease. Therefore, it has been classified as a Variant of Uncertain Significance.

NM_024818.6(UBA5):c.1144G>A (p.Val382Ile)

Genes: NPHP3-ACAD11 (NPHP3-ACAD11 readthrough (NMD candidate); minus strand), UBA5 (ubiquitin like modifier activating enzyme 5; plus strand). Cytogenetic location: 3q22.1.
Variant type: single nucleotide variant.
Coding change: c.1144G>A on transcript NM_024818.6 (MANE Select); coding-DNA position 1144, G replaced by A.
Protein change: p.Val382Ile; replaces valine 382 with isoleucine.
Molecular consequence: missense variant.
Genome position (GRCh38, 1-based): chr3:132,676,455, G>A. VCF-style: chr3-132676455-G-A. GRCh37 (hg19) VCF-style: chr3-132395299-G-A.
Other names: c.976G>A, p.Val326Ile (NM_001320210.2, NM_198329.4); c.874G>A, p.Val292Ile (NM_001321238.2); c.808G>A, p.Val270Ile (NM_001321239.1); short protein forms V326I, V270I, V382I, V292I.
Identifiers: ClinVar variation 4694504 (VCV004694504.1).